The following is an entry in ClinVar:

NM_000083.3(CLCN1):c.1096G>T (p.Val366Leu)

Gene: CLCN1 (chloride voltage-gated channel 1; plus strand). Cytogenetic location: 7q34.
Variant type: single nucleotide variant.
Coding change: c.1096G>T on transcript NM_000083.3 (MANE Select); coding-DNA position 1096, G replaced by T.
Protein change: p.Val366Leu; replaces valine 366 with leucine.
Molecular consequence: missense variant. On other transcripts: non-coding transcript variant (1).
Genome position (GRCh38, 1-based): chr7:143,331,582, G>T. VCF-style: chr7-143331582-G-T. GRCh37 (hg19) VCF-style: chr7-143028675-G-T.
Other names: short protein forms V366L.
Identifiers: ClinVar variation 447044 (VCV000447044.11), dbSNP rs1554436573, ClinGen allele CA369642143.

ClinVar aggregate classification (germline): Uncertain significance. Review status: criteria provided, multiple submitters, no conflicts (2 of 4 stars). 4 submissions from 4 submitters: Uncertain significance (3). 1 of the submissions does not count toward it. Last evaluated 2025-12-10.

Conditions:
CLCN1-related disorder. Also called: CLCN1-related condition.
Congenital myotonia, autosomal recessive form. Also called: myotonia congenita, autosomal recessive; BECKER DISEASE; Becker Generalized Myotonia. Identifiers: Orphanet 614, MedGen C0751360, MONDO:0009715, OMIM 255700.
Congenital myotonia, autosomal dominant form (THD). Also called: THOMSEN DISEASE; Myotonia congenita autosomal dominant. Identifiers: Orphanet 614, MedGen C2936781, MONDO:0008055, OMIM 160800.

Allele frequency attached by ClinVar (database versions not stated): gnomAD exomes 0.00001.
gnomAD v4.1: 21 of 1,614,132 alleles (0.0013%); highest among the groups gnomAD compares: Non-Finnish European, 0.0018%; no homozygotes.

Submissions (4):

Labcorp Genetics (formerly Invitae), Labcorp
Classification: Uncertain significance for Congenital myotonia, autosomal recessive form; Congenital myotonia, autosomal dominant form. Last evaluated: 2025-12-10. Review status: criteria provided, single submitter. Criteria: Invitae Variant Classification Sherloc (09022015). Collection method: clinical testing. Allele origin: germline.
Comment: This sequence change replaces valine, which is neutral and non-polar, with leucine, which is neutral and non-polar, at codon 366 of the CLCN1 protein (p.Val366Leu). This variant is not present in population databases (gnomAD no frequency). This missense change has been observed in individual(s) with myotonia congenita (internal data). ClinVar contains an entry for this variant (Variation ID: 447044). Invitae Evidence Modeling of protein sequence and biophysical properties (such as structural, functional, and spatial information, amino acid conservation, physicochemical variation, residue mobility, and thermodynamic stability) indicates that this missense variant is expected to disrupt CLCN1 protein function with a positive predictive value of 80%. In summary, the available evidence is currently insufficient to determine the role of this variant in disease. Therefore, it has been classified as a Variant of Uncertain Significance.

Women's Health and Genetics/Laboratory Corporation of America, LabCorp
Classification: Uncertain significance. Last evaluated: 2024-10-08. Review status: criteria provided, single submitter. Criteria: LabCorp Variant Classification Summary - May 2015. Collection method: clinical testing. Allele origin: germline.
Comment: Variant summary: CLCN1 c.1096G>T (p.Val366Leu) results in a conservative amino acid change in the encoded protein sequence. Three of five in-silico tools predict a damaging effect of the variant on protein function. The variant was absent in 251482 control chromosomes. The available data on variant occurrences in the general population are insufficient to allow any conclusion about variant significance. To our knowledge, no occurrence of c.1096G>T in individuals affected with Congenital Myotonia, Autosomal Recessive Form and no experimental evidence demonstrating its impact on protein function have been reported. ClinVar contains an entry for this variant (Variation ID: 447044). Based on the evidence outlined above, the variant was classified as uncertain significance.

Athena Diagnostics
Classification: Uncertain significance. Last evaluated: 2017-01-25. Review status: criteria provided, single submitter. Criteria: Athena Diagnostics Criteria. Collection method: clinical testing. Allele origin: germline.

PreventionGenetics, part of Exact Sciences
Classification: Uncertain significance for CLCN1-related condition. Last evaluated: 2024-05-02. Review status: no assertion criteria provided. Collection method: clinical testing. Allele origin: germline. Not counted in ClinVar's aggregate classification.
Comment: The CLCN1 c.1096G>T variant is predicted to result in the amino acid substitution p.Val366Leu. To our knowledge, this variant has not been reported in the literature or in a large population database, indicating this variant is rare. At this time, the clinical significance of this variant is uncertain due to the absence of conclusive functional and genetic evidence.